The following is an entry in ClinVar:

NM_152564.5(VPS13B):c.11781G>C (p.Gln3927His)

Gene: VPS13B (vacuolar protein sorting 13 homolog B; plus strand). Cytogenetic location: 8q22.2.
Variant type: single nucleotide variant.
Coding change: c.11781G>C on transcript NM_152564.5 (MANE Select); coding-DNA position 11781, G replaced by C.
Protein change: p.Gln3927His; replaces glutamine 3927 with histidine.
Molecular consequence: missense variant.
Genome position (GRCh38, 1-based): chr8:99,875,453, G>C. VCF-style: chr8-99875453-G-C. GRCh37 (hg19) VCF-style: chr8-100887681-G-C.
Other names: c.11856G>C, p.Gln3952His (NM_017890.5); short protein forms Q3927H, Q3952H.
Identifiers: ClinVar variation 1349262 (VCV001349262.6), dbSNP rs1817654141, ClinGen allele CA371795536.

ClinVar aggregate classification (germline): Uncertain significance (1 of 4 stars; one submission).

Conditions:
Cohen syndrome (COH1). Also called: Cutis verticis gyrata, retinitis pigmentosa, and sensorineural deafness; PEPPER SYNDROME. Identifiers: Orphanet 193, MedGen C0265223, MONDO:0008999, OMIM 216550.

Submission:

Labcorp Genetics (formerly Invitae), Labcorp
Classification: Uncertain significance for Cohen syndrome. Last evaluated: 2021-03-10. Review status: criteria provided, single submitter. Criteria: Invitae Variant Classification Sherloc (09022015). Collection method: clinical testing. Allele origin: germline.
Comment: In summary, the available evidence is currently insufficient to determine the role of this variant in disease. Therefore, it has been classified as a Variant of Uncertain Significance. Algorithms developed to predict the effect of missense changes on protein structure and function are either unavailable or do not agree on the potential impact of this missense change (SIFT: "Not Available"; PolyPhen-2: "Benign"; Align-GVGD: "Not Available"). This variant has not been reported in the literature in individuals with VPS13B-related conditions. This variant is not present in population databases (ExAC no frequency). This sequence change replaces glutamine with histidine at codon 3952 of the VPS13B protein (p.Gln3952His). The glutamine residue is moderately conserved and there is a small physicochemical difference between glutamine and histidine.